The following is an entry in ClinVar:

ClinVar aggregate classification (germline): Uncertain significance. Review status: criteria provided, multiple submitters, no conflicts (2 of 4 stars). 3 submissions from 3 submitters: Uncertain significance (3). Last evaluated 2022-04-29.

Conditions:
Hereditary cancer-predisposing syndrome. Also called: Tumor predisposition; Hereditary neoplastic syndrome; Neoplastic Syndromes, Hereditary; Hereditary Cancer Syndrome. Identifiers: Orphanet 140162, MedGen C0027672, MeSH D009386, MONDO:0015356.
Juvenile polyposis syndrome (JPS). Identifiers: Orphanet 2929, MedGen C0345893, MONDO:0017380, OMIM 174900.

Allele frequency attached by ClinVar (database versions not stated): gnomAD exomes below 0.00001.

Submissions (3):

Ambry Genetics
Classification: Uncertain significance for Hereditary cancer-predisposing syndrome. Last evaluated: 2022-04-29. Review status: criteria provided, single submitter. Criteria: Ambry Variant Classification Scheme 2023. Collection method: clinical testing. Allele origin: germline.
Comment: The p.S19F variant (also known as c.56C>T), located in coding exon 1 of the BMPR1A gene, results from a C to T substitution at nucleotide position 56. The serine at codon 19 is replaced by phenylalanine, an amino acid with highly dissimilar properties. This amino acid position is not well conserved in available vertebrate species. In addition, this alteration is predicted to be tolerated by in silico analysis. Since supporting evidence is limited at this time, the clinical significance of this alteration remains unclear.

Labcorp Genetics (formerly Invitae), Labcorp
Classification: Uncertain significance for Juvenile polyposis syndrome. Last evaluated: 2020-11-20. Review status: criteria provided, single submitter. Criteria: Invitae Variant Classification Sherloc (09022015). Collection method: clinical testing. Allele origin: germline.
Comment: This sequence change replaces serine with phenylalanine at codon 19 of the BMPR1A protein (p.Ser19Phe). The serine residue is weakly conserved and there is a large physicochemical difference between serine and phenylalanine. This variant is not present in population databases (ExAC no frequency). In summary, the available evidence is currently insufficient to determine the role of this variant in disease. Therefore, it has been classified as a Variant of Uncertain Significance. Algorithms developed to predict the effect of missense changes on protein structure and function output the following: SIFT: "Tolerated"; PolyPhen-2: "Benign"; Align-GVGD: "Class C0". The phenylalanine amino acid residue is found in multiple mammalian species, suggesting that this missense change does not adversely affect protein function. These predictions have not been confirmed by published functional studies and their clinical significance is uncertain. This variant has not been reported in the literature in individuals with BMPR1A-related conditions.

Color Diagnostics, LLC DBA Color Health
Classification: Uncertain significance for Hereditary cancer-predisposing syndrome. Last evaluated: 2019-01-25. Review status: criteria provided, single submitter. Criteria: ACMG Guidelines, 2015. Collection method: clinical testing. Allele origin: germline.

NM_004329.3(BMPR1A):c.56C>T (p.Ser19Phe)

Gene: BMPR1A (bone morphogenetic protein receptor type 1A; plus strand). Cytogenetic location: 10q23.2.
Variant type: single nucleotide variant.
Coding change: c.56C>T on transcript NM_004329.3 (MANE Select); coding-DNA position 56, C replaced by T.
Protein change: p.Ser19Phe; replaces serine 19 with phenylalanine.
Molecular consequence: missense variant.
Genome position (GRCh38, 1-based): chr10:86,876,074, C>T. VCF-style: chr10-86876074-C-T. GRCh37 (hg19) VCF-style: chr10-88635831-C-T.
Other names: short protein forms S19F.
Identifiers: ClinVar variation 928208 (VCV000928208.14), dbSNP rs1842917942, ClinGen allele CA377774857.
Genomic context (GRCh38, chr10:86,876,074, plus strand): 5'-GAACAATGCCTCAGCTATACATTTACATCAGATTATTGGGAGCCTATTTGTTCATCATTT[C>T]TCGTGTTCAAGGTAAATCAGTGTTCATTTTAGTAATGTATGTGTGTATATAAAAAGCACT-3'
Protein context (NP_004320.2, residues 9-29): RLLGAYLFII[Ser19Phe]RVQGQNLDSM